The following is an entry in ClinVar:

NM_015272.5(RPGRIP1L):c.1919T>G (p.Phe640Cys)

Gene: RPGRIP1L (RPGRIP1 like; minus strand). Cytogenetic location: 16q12.2.
Variant type: single nucleotide variant.
Coding change: c.1919T>G on transcript NM_015272.5 (MANE Select); coding-DNA position 1919, T replaced by G.
Protein change: p.Phe640Cys; replaces phenylalanine 640 with cysteine.
Molecular consequence: missense variant.
Genome position (GRCh38, 1-based): chr16:53,652,768, A>C on the plus strand (T>G on the coding strand, the complement: RPGRIP1L is on the minus strand). VCF-style: chr16-53652768-A-C. GRCh37 (hg19) VCF-style: chr16-53686680-A-C.
Other names: c.1919T>G, p.Phe640Cys (NM_001127897.4, NM_001308334.3, NM_001330538.2); short protein forms F640C.
Identifiers: ClinVar variation 2421942 (VCV002421942.5), dbSNP rs1339088555, ClinGen allele CA395917033.

ClinVar aggregate classification (germline): Uncertain significance (1 of 4 stars; one submission).

Conditions:
Joubert syndrome. Also called: CEREBELLOPARENCHYMAL DISORDER IV; JOUBERT-BOLTSHAUSER SYNDROME; Familial aplasia of the vermis. Identifiers: Orphanet 475, MedGen C5979921, MONDO:0018772.
Meckel-Gruber syndrome. Also called: DYSENCEPHALIA SPLANCHNOCYSTICA; GRUBER SYNDROME; Dysencephalia splachnocystica. Identifiers: Orphanet 564, MedGen C0265215, MONDO:0018921.

Allele frequency attached by ClinVar (database versions not stated): gnomAD exomes below 0.00001; TOPMed below 0.00001.
gnomAD v4.1: 2 of 1,614,198 alleles (0.00012%); highest among the groups gnomAD compares: Admixed American, 0.0017%; no homozygotes.

Submission:

Labcorp Genetics (formerly Invitae), Labcorp
Classification: Uncertain significance for Joubert syndrome; Meckel-Gruber syndrome. Last evaluated: 2022-01-11. Review status: criteria provided, single submitter. Criteria: Invitae Variant Classification Sherloc (09022015). Collection method: clinical testing. Allele origin: germline.
Comment: This sequence change replaces phenylalanine, which is neutral and non-polar, with cysteine, which is neutral and slightly polar, at codon 640 of the RPGRIP1L protein (p.Phe640Cys). This variant is present in population databases (no rsID available, gnomAD 0.003%). This variant has not been reported in the literature in individuals affected with RPGRIP1L-related conditions. Algorithms developed to predict the effect of missense changes on protein structure and function (SIFT, PolyPhen-2, Align-GVGD) all suggest that this variant is likely to be disruptive. In summary, the available evidence is currently insufficient to determine the role of this variant in disease. Therefore, it has been classified as a Variant of Uncertain Significance.